The following is an entry in ClinVar:

ClinVar aggregate classification (germline): Uncertain significance. Review status: criteria provided, multiple submitters, no conflicts (2 of 4 stars). 2 submissions from 2 submitters: Uncertain significance (2). Last evaluated 2025-03-18.

Conditions:
Inborn genetic diseases. Identifiers: MedGen C0950123, MeSH D030342.
Alacrima, achalasia, and impaired intellectual development syndrome. Also called: Alacrima, achalasia, and intellectual disability syndrome; Alacrima, achalasia, and mental retardation syndrome. Identifiers: Orphanet 869, MedGen C4706563, MONDO:0014219, OMIM 615510.

Allele frequency attached by ClinVar (database versions not stated): gnomAD 0.00001; ExAC 0.00003.
gnomAD v4.1: 46 of 1,613,814 alleles (0.0029%); highest among the groups gnomAD compares: Non-Finnish European, 0.0036%; no homozygotes.

Submissions (2):

Ambry Genetics
Classification: Uncertain significance for Inborn genetic diseases. Last evaluated: 2025-03-18. Review status: criteria provided, single submitter. Criteria: Ambry Variant Classification Scheme 2023. Collection method: clinical testing. Allele origin: germline.

Labcorp Genetics (formerly Invitae), Labcorp
Classification: Uncertain significance for Alacrima, achalasia, and impaired intellectual development syndrome. Last evaluated: 2024-10-21. Review status: criteria provided, single submitter. Criteria: Invitae Variant Classification Sherloc (09022015). Collection method: clinical testing. Allele origin: germline.
Comment: This sequence change replaces valine, which is neutral and non-polar, with methionine, which is neutral and non-polar, at codon 347 of the GMPPA protein (p.Val347Met). This variant is present in population databases (rs765130853, gnomAD 0.005%). This variant has not been reported in the literature in individuals affected with GMPPA-related conditions. ClinVar contains an entry for this variant (Variation ID: 2143390). Invitae Evidence Modeling of protein sequence and biophysical properties (such as structural, functional, and spatial information, amino acid conservation, physicochemical variation, residue mobility, and thermodynamic stability) indicates that this missense variant is not expected to disrupt GMPPA protein function with a negative predictive value of 80%. In summary, the available evidence is currently insufficient to determine the role of this variant in disease. Therefore, it has been classified as a Variant of Uncertain Significance.

NM_013335.4(GMPPA):c.1039G>A (p.Val347Met)

Genes: ASIC4-AS1 (ASIC4 antisense RNA 1; minus strand), GMPPA (GDP-mannose pyrophosphorylase A; plus strand). Cytogenetic location: 2q35.
Variant type: single nucleotide variant.
Coding change: c.1039G>A on transcript NM_013335.4 (MANE Select); coding-DNA position 1039, G replaced by A.
Protein change: p.Val347Met; replaces valine 347 with methionine.
Molecular consequence: missense variant.
Genome position (GRCh38, 1-based): chr2:219,506,299, G>A. VCF-style: chr2-219506299-G-A. GRCh37 (hg19) VCF-style: chr2-220371021-G-A.
Other names: c.1039G>A, p.Val347Met (NM_001374294.1, NM_001374295.1, NM_205847.3); c.1039G>A (NM_205847.2); short protein forms V347M.
Identifiers: ClinVar variation 2143390 (VCV002143390.5), dbSNP rs765130853, ClinGen allele CA2128406.
Genomic context (GRCh38, chr2:219,506,299, plus strand): 5'-TGTCCTCTTTGGCAGGAGCACACGTGTGTTCTGCATAGCATCGTGGGCTGGGGGAGCACC[G>A]TGGGACGCTGGGCCCGCGTGGAGGGTACCCCCAGTGACCCTAACCCCAACGATCCCCGAG-3'
Protein context (NP_037467.2, residues 337-357): LHSIVGWGST[Val347Met]GRWARVEGTP